The following is an entry in ClinVar:

NM_001370658.1(BTD):c.1395C>G (p.His465Gln)

Gene: BTD (biotinidase; plus strand). Cytogenetic location: 3p25.1.
Variant type: single nucleotide variant.
Coding change: c.1395C>G on transcript NM_001370658.1 (MANE Select); coding-DNA position 1395, C replaced by G.
Protein change: p.His465Gln; replaces histidine 465 with glutamine.
Molecular consequence: missense variant. On other transcripts: intron variant (2).
Genome position (GRCh38, 1-based): chr3:15,645,311, C>G. VCF-style: chr3-15645311-C-G. GRCh37 (hg19) VCF-style: chr3-15686818-C-G.
Other names: c.1455C>G, p.His485Gln (NM_000060.4); c.1395C>G, p.His465Gln (NM_001281723.4, NM_001281724.3, NM_001281725.3 and 16 more transcripts); c.1015+380C>G (NM_001370752.1); c.399+3254C>G (NM_001370753.1); short protein forms H465Q.
Identifiers: ClinVar variation 25090 (VCV000025090.22), dbSNP rs201604102, ClinGen allele CA278342.

ClinVar aggregate classification (germline): Pathogenic/Likely pathogenic. Review status: criteria provided, multiple submitters, no conflicts (2 of 4 stars). 9 submissions from 9 submitters: Pathogenic (3); Likely pathogenic (5). 1 of the submissions does not count toward it. Last evaluated 2025-12-13.

Conditions:
Inborn genetic diseases. Identifiers: MedGen C0950123, MeSH D030342.
Biotinidase deficiency. Also called: BTD deficiency; Late-onset biotin-responsive multiple carboxylase deficiency; Biotin deficiency. Identifiers: Orphanet 79241, MedGen C0220754, MONDO:0009665, OMIM 253260.

Allele frequency attached by ClinVar (database versions not stated): gnomAD 0.00009; 1000 Genomes Project 0.00020; 1000 Genomes Project 30x 0.00031; gnomAD exomes 0.00001; ExAC 0.00002; TOPMed 0.00012.
gnomAD v4.1: 19 of 1,614,204 alleles (0.0012%); highest among the groups gnomAD compares: African/African-American, 0.025%; no homozygotes.

Submissions (9):

Labcorp Genetics (formerly Invitae), Labcorp
Classification: Pathogenic for Biotinidase deficiency. Last evaluated: 2025-12-13. Review status: criteria provided, single submitter. Criteria: Invitae Variant Classification Sherloc (09022015). Collection method: clinical testing. Allele origin: germline.
Comment: This sequence change replaces histidine, which is basic and polar, with glutamine, which is neutral and polar, at codon 485 of the BTD protein (p.His485Gln). This variant is present in population databases (rs201604102, gnomAD 0.02%). This missense change has been observed in individual(s) with profound biotinidase deficiency (PMID: 25967232, 26810761, 30912303; internal data). In at least one individual the data is consistent with being in trans (on the opposite chromosome) from a pathogenic variant. ClinVar contains an entry for this variant (Variation ID: 25090). Invitae Evidence Modeling of protein sequence and biophysical properties (such as structural, functional, and spatial information, amino acid conservation, physicochemical variation, residue mobility, and thermodynamic stability) indicates that this missense variant is not expected to disrupt BTD protein function with a negative predictive value of 80%. For these reasons, this variant has been classified as Pathogenic.

Natera, Inc.
Classification: Likely pathogenic for Biotinidase deficiency. Last evaluated: 2025-09-12. Review status: criteria provided, single submitter. Criteria: Natera Variant Classification Schema (03/2026). Collection method: clinical testing. Allele origin: germline.
Comment: The c.1395C>G variant in BTD is a missense variant predicted to cause substitution of histidine to glutamine at amino acid 465. This variant is rare in the general population with a frequency below the threshold expected for the associated phenotype(s). This variant has been observed in one or more individuals affected with the associated recessive disease, as either homozygous or compound heterozygous with a second variant (PMID: 30912303, 38299772, 25967232). This variant has been identified in one or more affected individuals with a phenotype highly consistent with the associated gene (PMID: 25967232, 30912303). Computational prediction algorithms indicate this variant is likely to affect gene or protein function. Given the available evidence, this variant is classified as Likely Pathogenic.

Dasa
Classification: Likely pathogenic. Last evaluated: 2025-07-20. Review status: criteria provided, single submitter. Criteria: DASA Assertion Criteria. Collection method: clinical testing. Allele origin: germline.
Comment: NM_001370658.1(BTD):c.1395C>G (p.His465Gln) is a missense variant that results in the substitution of histidine with glutamine. This variant has been reported in individuals with BTD-related disorders (PMID: 31801038). Also, this variant is rare in population databases. Based on the currently available evidence, this variant is classified as likely pathogenic.

Fulgent Genetics
Classification: Likely pathogenic for Biotinidase deficiency. Last evaluated: 2024-02-19. Review status: criteria provided, single submitter. Criteria: ACMG Guidelines, 2015. Collection method: clinical testing. Allele origin: germline.

Baylor Genetics
Classification: Likely pathogenic for Biotinidase deficiency. Last evaluated: 2024-02-04. Review status: criteria provided, single submitter. Criteria: ACMG Guidelines, 2015. Collection method: clinical testing. Allele origin: unknown.

Ambry Genetics
Classification: Likely pathogenic for Inborn genetic diseases. Last evaluated: 2022-01-31. Review status: criteria provided, single submitter. Criteria: Ambry Variant Classification Scheme 2023. Collection method: clinical testing. Allele origin: germline.
Comment: The c.1455C>G (p.H485Q) alteration is located in exon 4 (coding exon 4) of the BTD gene. This alteration results from a C to G substitution at nucleotide position 1455, causing the histidine (H) at amino acid position 485 to be replaced by a glutamine (Q). Based on data from gnomAD, the G allele has an overall frequency of <0.01% (5/282840) total alleles studied. The highest observed frequency was 0.02% (5/24966) of African alleles. This alteration has been detected as homozygous and as compound heterozygous with another BTD pathogenic mutation in individuals with profound biotinidase deficiency (Lara, 2015; Procter, 2016). This amino acid position is not well conserved in available vertebrate species, and glutamine is the reference amino acid in some other vertebrate species. This alteration is predicted to be tolerated by in silico analysis. Based on the available evidence, this alteration is classified as likely pathogenic.

Quest Diagnostics Nichols Institute San Juan Capistrano
Classification: Pathogenic. Last evaluated: 2021-08-13. Review status: criteria provided, single submitter. Criteria: Quest Diagnostics criteria. Collection method: clinical testing. Allele origin: unknown.
Comment: The variant has been reported in individuals with reduced biotinidase activity in the published literature, including in a homozygous child with profound biotinidase deficiency (PMID: 25967232 (2015), 26810761 (2016), 30912303 (2019), 31801038 (2020)). Therefore, the variant is classified as pathogenic.

Mendelics
Classification: Pathogenic for Biotinidase deficiency. Last evaluated: 2019-05-28. Review status: criteria provided, single submitter. Criteria: Mendelics Assertion Criteria 2017. Collection method: clinical testing. Allele origin: unknown.

Counsyl
Classification: Uncertain significance for Biotinidase deficiency. Last evaluated: 2017-12-28. Review status: no assertion criteria provided. Collection method: clinical testing. Allele origin: unknown. Not counted in ClinVar's aggregate classification.

Literature cited by the submitters: PubMed 25967232 (cited by 6 submitters); PubMed 26810761 (cited by 5 submitters); PubMed 30912303 (cited by 4 submitters); PubMed 38299772 (cited by Natera, Inc.); PubMed 31801038 (cited by Dasa and Quest Diagnostics Nichols Institute San Juan Capistrano).